The following is an entry in ClinVar:

NM_017841.4(SDHAF2):c.261-10T>C

Gene: SDHAF2 (succinate dehydrogenase complex assembly factor 2; plus strand). Cytogenetic location: 11q12.2.
Variant type: single nucleotide variant.
Coding change: c.261-10T>C on transcript NM_017841.4 (MANE Select); 10 bases into the intron before coding-DNA position 261, T replaced by C.
Molecular consequence: intron variant.
Genome position (GRCh38, 1-based): chr11:61,437,994, T>C. VCF-style: chr11-61437994-T-C. GRCh37 (hg19) VCF-style: chr11-61205466-T-C.
Identifiers: ClinVar variation 2682075 (VCV002682075.4), dbSNP rs2540124759, ClinGen allele CA2697548596.

ClinVar aggregate classification (germline): Conflicting classifications of pathogenicity. Review status: criteria provided, conflicting classifications (1 of 4 stars). 2 submissions from 2 submitters: Uncertain significance (1); Likely benign (1). Last evaluated 2025-12-08.

Conditions:
Hereditary pheochromocytoma and paraganglioma. Also called: Hereditary Paraganglioma-Pheochromocytoma Syndromes; Hereditary pheochromocytoma-paraganglioma; Hereditary paragangliomas and pheochromocytomas. Identifiers: Orphanet 29072, MedGen C4274332, MONDO:0017366.

Submissions (2):

Labcorp Genetics (formerly Invitae), Labcorp
Classification: Likely benign for Hereditary pheochromocytoma and paraganglioma. Last evaluated: 2025-12-08. Review status: criteria provided, single submitter. Criteria: Invitae Variant Classification Sherloc (09022015). Collection method: clinical testing. Allele origin: germline.

Quest Diagnostics Nichols Institute San Juan Capistrano
Classification: Uncertain significance. Last evaluated: 2023-09-06. Review status: criteria provided, single submitter. Criteria: Quest Diagnostics criteria. Collection method: clinical testing. Allele origin: unknown.
Comment: To the best of our knowledge, this variant has not been reported in individuals with SDHAF2-related conditions in the published literature. It also has not been reported in large, multi-ethnic general populations (Genome Aggregation Database). Analysis of this variant using software algorithms for the prediction of the effect of nucleotide changes on splicing yielded predictions that this variant does not affect SDHAF2 mRNA splicing . Based on the available information, we are unable to determine the clinical significance of this variant.